The following is an entry in ClinVar:

ClinVar aggregate classification (germline): Uncertain significance. Review status: criteria provided, multiple submitters, no conflicts (2 of 4 stars). 3 submissions from 3 submitters: Uncertain significance (3). Last evaluated 2025-07-07.

Conditions:
Hereditary cancer-predisposing syndrome. Also called: Neoplastic Syndromes, Hereditary; Tumor predisposition; Hereditary Cancer Syndrome; Hereditary neoplastic syndrome. Identifiers: Orphanet 140162, MedGen C0027672, MeSH D009386, MONDO:0015356.
Hereditary breast ovarian cancer syndrome. Also called: Breast and ovarian cancer; Hereditary breast and ovarian cancer; Hereditary breast and/or ovarian cancer syndrome; BRCA1- and BRCA2-Associated Hereditary Breast and Ovarian Cancer; Hereditary breast and ovarian cancer syndrome; Hereditary breast and ovarian cancer syndrome (HBOC). Identifiers: Orphanet 145, MedGen C0677776, MeSH D061325, MONDO:0003582. Disease mechanism: loss of function.

Submissions (3):

Quest Diagnostics Nichols Institute San Juan Capistrano
Classification: Uncertain significance. Last evaluated: 2025-07-07. Review status: criteria provided, single submitter. Criteria: Quest Diagnostics criteria. Collection method: clinical testing. Allele origin: unknown.
Comment: The BRCA1 c.4780C>G (p.Pro1594Ala) variant has not been reported in individuals with BRCA1-related conditions in the published literature. It also has not been reported in large, multi-ethnic general populations (Genome Aggregation Database). Analysis of this variant using bioinformatics tools for the prediction of the effect of amino acid changes on protein structure and function yielded predictions that this variant is benign. Based on the available information, we are unable to determine the clinical significance of this variant.

Labcorp Genetics (formerly Invitae), Labcorp
Classification: Uncertain significance for Hereditary breast ovarian cancer syndrome. Last evaluated: 2022-08-23. Review status: criteria provided, single submitter. Criteria: Invitae Variant Classification Sherloc (09022015). Collection method: clinical testing. Allele origin: germline.
Comment: In summary, the available evidence is currently insufficient to determine the role of this variant in disease. Therefore, it has been classified as a Variant of Uncertain Significance. Advanced modeling of protein sequence and biophysical properties (such as structural, functional, and spatial information, amino acid conservation, physicochemical variation, residue mobility, and thermodynamic stability) performed at Invitae indicates that this missense variant is not expected to disrupt BRCA1 protein function. ClinVar contains an entry for this variant (Variation ID: 141789). This variant has not been reported in the literature in individuals affected with BRCA1-related conditions. This variant is not present in population databases (gnomAD no frequency). This sequence change replaces proline, which is neutral and non-polar, with alanine, which is neutral and non-polar, at codon 1594 of the BRCA1 protein (p.Pro1594Ala).

Ambry Genetics
Classification: Uncertain significance for Hereditary cancer-predisposing syndrome. Last evaluated: 2019-08-14. Review status: criteria provided, single submitter. Criteria: Ambry Variant Classification Scheme 2023. Collection method: clinical testing. Allele origin: germline.
Comment: The p.P1594A variant (also known as c.4780C>G), located in coding exon 14 of the BRCA1 gene, results from a C to G substitution at nucleotide position 4780. The proline at codon 1594 is replaced by alanine, an amino acid with highly similar properties. This amino acid position is well conserved in available vertebrate species. In addition, the in silico prediction for this alteration is inconclusive. Since supporting evidence is limited at this time, the clinical significance of this alteration remains unclear.

NM_007294.4(BRCA1):c.4780C>G (p.Pro1594Ala)

Gene: BRCA1 (BRCA1 DNA repair associated; minus strand). Cytogenetic location: 17q21.31.
Variant type: single nucleotide variant.
Coding change: c.4780C>G on transcript NM_007294.4 (MANE Select); coding-DNA position 4780, C replaced by G.
Protein change: p.Pro1594Ala; replaces proline 1594 with alanine.
Molecular consequence: missense variant. On other transcripts: non-coding transcript variant (1).
Genome position (GRCh38, 1-based): chr17:43,071,134, G>C on the plus strand (C>G on the coding strand, the complement: BRCA1 is on the minus strand). VCF-style: chr17-43071134-G-C. GRCh37 (hg19) VCF-style: chr17-41223151-G-C.
Other names: c.4777C>G, p.Pro1593Ala (NM_001407620.1, NM_001407622.1, NM_001407623.1 and 17 more transcripts); c.4567C>G, p.Pro1523Ala (NM_001407571.1, NM_001407894.1, NM_001407895.1 and 12 more transcripts); c.4846C>G, p.Pro1616Ala (NM_001407581.1, NM_001407582.1); c.4843C>G, p.Pro1615Ala (NM_001407583.1, NM_001407585.1, NM_001407587.1 and 1 more transcripts); c.4840C>G, p.Pro1614Ala (NM_001407590.1, NM_001407591.1); c.4780C>G, p.Pro1594Ala (NM_001407593.1, NM_001407594.1, NM_001407596.1 and 8 more transcripts); c.4774C>G, p.Pro1592Ala (NM_001407627.1, NM_001407628.1, NM_001407629.1 and 14 more transcripts); c.4771C>G, p.Pro1591Ala (NM_001407644.1, NM_001407645.1); and 70 more; short protein forms P1594A, P490A, P1547A, P1615A, P1297A, P1425A, P1466A, P1505A.
Identifiers: ClinVar variation 141789 (VCV000141789.17), dbSNP rs587782012, ClinGen allele CA003021.